The following is an entry in ClinVar:

ClinVar aggregate classification (germline): Uncertain significance. Review status: criteria provided, multiple submitters, no conflicts (2 of 4 stars). 4 submissions from 3 submitters: Uncertain significance (4). Last evaluated 2025-06-16.

Conditions:
Inborn genetic diseases. Identifiers: MedGen C0950123, MeSH D030342.
Microcephaly 9, primary, autosomal recessive. Identifiers: Orphanet 2512, MedGen C3553886, MONDO:0013923, OMIM 614852.
Seckel syndrome 5 (SCKL5). Identifiers: Orphanet 808, MedGen C3151187, MONDO:0013443, OMIM 613823.

Allele frequency attached by ClinVar (database versions not stated): ExAC 0.00001; gnomAD 0.00001; gnomAD exomes 0.00001; TOPMed 0.00001.
gnomAD v4.1: 20 of 1,613,786 alleles (0.0012%); highest among the groups gnomAD compares: African/African-American, 0.0067%; no homozygotes.

Submissions (4):

Ambry Genetics
Classification: Uncertain significance for Inborn genetic diseases. Last evaluated: 2025-06-16. Review status: criteria provided, single submitter. Criteria: Ambry Variant Classification Scheme 2023. Collection method: clinical testing. Allele origin: germline.

Labcorp Genetics (formerly Invitae), Labcorp
Classification: Uncertain significance. Last evaluated: 2024-01-24. Review status: criteria provided, single submitter. Criteria: Invitae Variant Classification Sherloc (09022015). Collection method: clinical testing. Allele origin: germline.
Comment: This sequence change replaces glutamic acid, which is acidic and polar, with lysine, which is basic and polar, at codon 58 of the CEP152 protein (p.Glu58Lys). This variant is present in population databases (rs755782063, gnomAD 0.01%). This variant has not been reported in the literature in individuals affected with CEP152-related conditions. ClinVar contains an entry for this variant (Variation ID: 887157). Advanced modeling of protein sequence and biophysical properties (such as structural, functional, and spatial information, amino acid conservation, physicochemical variation, residue mobility, and thermodynamic stability) performed at Invitae indicates that this missense variant is not expected to disrupt CEP152 protein function with a negative predictive value of 80%. In summary, the available evidence is currently insufficient to determine the role of this variant in disease. Therefore, it has been classified as a Variant of Uncertain Significance.

Illumina Laboratory Services, Illumina
Classification: Uncertain significance for Microcephaly 9, primary, autosomal recessive. Last evaluated: 2018-01-13. Review status: criteria provided, single submitter. Criteria: ICSL Variant Classification Criteria 13 December 2019. Collection method: clinical testing. Allele origin: germline.

Illumina Laboratory Services, Illumina
Classification: Uncertain significance for Seckel syndrome 5. Last evaluated: 2018-01-13. Review status: criteria provided, single submitter. Criteria: ICSL Variant Classification Criteria 13 December 2019. Collection method: clinical testing. Allele origin: germline.

NM_001194998.2(CEP152):c.172G>A (p.Glu58Lys)

Gene: CEP152 (centrosomal protein 152; minus strand). Cytogenetic location: 15q21.1.
Variant type: single nucleotide variant.
Coding change: c.172G>A on transcript NM_001194998.2 (MANE Select); coding-DNA position 172, G replaced by A.
Protein change: p.Glu58Lys; replaces glutamic acid 58 with lysine.
Molecular consequence: missense variant.
Genome position (GRCh38, 1-based): chr15:48,797,967, C>T on the plus strand (G>A on the coding strand, the complement: CEP152 is on the minus strand). VCF-style: chr15-48797967-C-T. GRCh37 (hg19) VCF-style: chr15-49090164-C-T.
Other names: c.172G>A, p.Glu58Lys (NM_014985.4); short protein forms E58K.
Identifiers: ClinVar variation 887157 (VCV000887157.9), dbSNP rs755782063, ClinGen allele CA7549205.